The following is an entry in ClinVar:

NM_006662.3(SRCAP):c.3254-6C>G

Gene: SRCAP (Snf2 related CREBBP activator protein; plus strand). Cytogenetic location: 16p11.2.
Variant type: single nucleotide variant.
Coding change: c.3254-6C>G on transcript NM_006662.3 (MANE Select); 6 bases into the intron before coding-DNA position 3254, C replaced by G.
Molecular consequence: intron variant.
Genome position (GRCh38, 1-based): chr16:30,721,183, C>G. VCF-style: chr16-30721183-C-G. GRCh37 (hg19) VCF-style: chr16-30732504-C-G.
Identifiers: ClinVar variation 3046540 (VCV003046540.2), dbSNP rs2053007753, ClinGen allele CA2740093302.

ClinVar aggregate classification (germline): Likely benign (0 of 4 stars; one submission).

Conditions:
SRCAP-related disorder. Also called: SRCAP-related condition.

Submission:

PreventionGenetics, part of Exact Sciences
Classification: Likely benign for SRCAP-related condition. Last evaluated: 2022-09-26. Review status: no assertion criteria provided. Collection method: clinical testing. Allele origin: germline.
Comment: This variant is classified as likely benign based on ACMG/AMP sequence variant interpretation guidelines (Richards et al. 2015 PMID: 25741868, with internal and published modifications).